The following is an entry in ClinVar:

ClinVar aggregate classification (germline): Benign/Likely benign. Review status: criteria provided, multiple submitters, no conflicts (2 of 4 stars). 9 submissions from 9 submitters: Benign (2); Likely benign (6). 1 of the submissions does not count toward it. Last evaluated 2025-11-10.

Conditions:
Systemic lupus erythematosus (SLE). Identifiers: Orphanet 536, MedGen C0024141, MONDO:0007915, OMIM 152700, HP:0002725.
Maturity-onset diabetes of the young type 11. Identifiers: Orphanet 552, MedGen C3150618, MONDO:0013242, OMIM 613375.

Allele frequency attached by ClinVar (database versions not stated): 1000 Genomes Project 30x 0.00047; 1000 Genomes Project 0.00080; TOPMed 0.00196; gnomAD exomes 0.00222 and 0.00283; ExAC 0.00231; ESP Exome Variant Server 0.00269.
gnomAD v4.1: 4,403 of 1,613,148 alleles (0.27%); highest among the groups gnomAD compares: Non-Finnish European, 0.33%; 9 homozygotes.

Submissions (9):

Labcorp Genetics (formerly Invitae), Labcorp
Classification: Likely benign. Last evaluated: 2025-11-10. Review status: criteria provided, single submitter. Criteria: Invitae Variant Classification Sherloc (09022015). Collection method: clinical testing. Allele origin: germline.

Blueprint Genetics
Classification: Likely benign. Last evaluated: 2024-11-21. Review status: criteria provided, single submitter. Criteria: ACMG Guidelines, 2015. Collection method: clinical testing. Allele origin: germline.

CeGaT Center for Human Genetics Tuebingen
Classification: Benign. Last evaluated: 2023-04-01. Review status: criteria provided, single submitter. Criteria: CeGaT Center For Human Genetics Tuebingen Variant Classification Criteria Version 2. Collection method: clinical testing. Allele origin: germline. Affected: yes. Observed: 3 variant alleles.
Comment: BLK: BP4, BS1, BS2

Genetic Services Laboratory, University of Chicago
Classification: Likely benign. Last evaluated: 2021-11-19. Review status: criteria provided, single submitter. Criteria: ACMG Guidelines, 2015. Collection method: clinical testing. Allele origin: germline. Affected: no.

GeneDx
Classification: Likely benign. Last evaluated: 2019-04-10. Review status: criteria provided, single submitter. Criteria: GeneDx Variant Classification Process June 2021. Collection method: clinical testing. Allele origin: germline. Affected: yes.
Comment: This variant is associated with the following publications: (PMID: 32041611)

Illumina Laboratory Services, Illumina
Classification: Benign for Maturity-onset diabetes of the young type 11. Last evaluated: 2018-01-13. Review status: criteria provided, single submitter. Criteria: ICSL Variant Classification Criteria 13 December 2019. Collection method: clinical testing. Allele origin: germline.
Comment: This variant was observed in the ICSL laboratory as part of a predisposition screen in an ostensibly healthy population. It had not been previously curated by ICSL or reported in the Human Gene Mutation Database (HGMD: prior to June 1st, 2018), and was therefore a candidate for classification through an automated scoring system. Utilizing variant allele frequency, disease prevalence and penetrance estimates, and inheritance mode, an automated score was calculated to assess if this variant is too frequent to cause the disease. Based on the score and internal cut-off values, a variant classified as benign is not then subjected to further curation. The score for this variant resulted in a classification of benign for this disease.

Breakthrough Genomics
Classification: Likely benign. Review status: criteria provided, single submitter. Criteria: ACMG Guidelines, 2015. Collection method: not provided. Allele origin: germline. Inheritance: Autosomal dominant inheritance. Affected: yes.

PreventionGenetics, part of Exact Sciences
Classification: Likely benign. Review status: criteria provided, single submitter. Criteria: ACMG Guidelines, 2015. Collection method: clinical testing. Allele origin: germline.

Carola Vinuesa Lab, John Curtin School of Medical Research
Classification: Benign for Systemic lupus erythematosus. Review status: no assertion criteria provided. Collection method: research. Allele origin: germline. Affected: no. Not counted in ClinVar's aggregate classification.

NM_001715.3(BLK):c.116C>T (p.Pro39Leu)

Gene: BLK (BLK proto-oncogene, Src family tyrosine kinase). Cytogenetic location: 8p23.1.
Variant type: single nucleotide variant.
Coding change: c.116C>T on transcript NM_001715.3 (MANE Select); coding-DNA position 116, C replaced by T.
Protein change: p.Pro39Leu; replaces proline 39 with leucine.
Molecular consequence: missense variant. On other transcripts: intron variant (1).
Genome position (GRCh38, 1-based): chr8:11,543,340, C>T. VCF-style: chr8-11543340-C-T. GRCh37 (hg19) VCF-style: chr8-11400849-C-T.
Other names: c.-90-2712C>T (NM_001330465.2); short protein forms P39L.
Identifiers: ClinVar variation 258175 (VCV000258175.47), dbSNP rs142352008, ClinGen allele CA4629668.